The following is an entry in ClinVar:

ClinVar aggregate classification (germline): Uncertain significance. Review status: criteria provided, multiple submitters, no conflicts (2 of 4 stars). 4 submissions from 4 submitters: Uncertain significance (4). Last evaluated 2025-12-02.

Conditions:
Senior-Loken syndrome 7 (SLSN7). Identifiers: Orphanet 3156, MedGen C3150877, MONDO:0013326, OMIM 613615.
Bardet-Biedl syndrome 16 (BBS16). Identifiers: Orphanet 110, MedGen C3889474, MONDO:0014444, OMIM 615993.
SDCCAG8-related disorder. Also called: SDCCAG8-Related Disorders; SDCCAG8-related condition.

Allele frequency attached by ClinVar (database versions not stated): gnomAD exomes 0.00001; ExAC 0.00002; gnomAD 0.00003; TOPMed 0.00003.
gnomAD v4.1: 8 of 1,614,036 alleles (0.0005%); highest among the groups gnomAD compares: African/African-American, 0.004%; no homozygotes.

Submissions (4):

PreventionGenetics, part of Exact Sciences
Classification: Uncertain significance for SDCCAG8-related condition. Last evaluated: 2025-12-02. Review status: criteria provided, single submitter. Criteria: ACMG Guidelines, 2015. Collection method: clinical testing. Allele origin: germline.
Comment: The SDCCAG8 c.842G>A variant is predicted to result in the amino acid substitution p.Gly281Asp. To our knowledge, this variant has not been reported in the literature. This variant is reported in 0.0029% of alleles in individuals of Latino descent in gnomAD. At this time, the clinical significance of this variant is uncertain due to the absence of conclusive functional and genetic evidence.

Blueprint Genetics
Classification: Uncertain significance. Last evaluated: 2024-07-16. Review status: criteria provided, single submitter. Criteria: ACMG Guidelines, 2015. Collection method: clinical testing. Allele origin: germline.

Fulgent Genetics
Classification: Uncertain significance for Senior-Loken syndrome 7; Bardet-Biedl syndrome 16. Last evaluated: 2024-04-20. Review status: criteria provided, single submitter. Criteria: ACMG Guidelines, 2015. Collection method: clinical testing. Allele origin: germline.

Labcorp Genetics (formerly Invitae), Labcorp
Classification: Uncertain significance for Bardet-Biedl syndrome 16; Senior-Loken syndrome 7. Last evaluated: 2022-07-11. Review status: criteria provided, single submitter. Criteria: Invitae Variant Classification Sherloc (09022015). Collection method: clinical testing. Allele origin: germline.
Comment: This sequence change replaces glycine, which is neutral and non-polar, with aspartic acid, which is acidic and polar, at codon 281 of the SDCCAG8 protein (p.Gly281Asp). This variant is present in population databases (rs765751496, gnomAD 0.003%). This variant has not been reported in the literature in individuals affected with SDCCAG8-related conditions. ClinVar contains an entry for this variant (Variation ID: 955345). Algorithms developed to predict the effect of missense changes on protein structure and function (SIFT, PolyPhen-2, Align-GVGD) all suggest that this variant is likely to be disruptive. In summary, the available evidence is currently insufficient to determine the role of this variant in disease. Therefore, it has been classified as a Variant of Uncertain Significance.

NM_006642.5(SDCCAG8):c.842G>A (p.Gly281Asp)

Gene: SDCCAG8 (SHH signaling and ciliogenesis regulator SDCCAG8; plus strand). Cytogenetic location: 1q43.
Variant type: single nucleotide variant.
Coding change: c.842G>A on transcript NM_006642.5 (MANE Select); coding-DNA position 842, G replaced by A.
Protein change: p.Gly281Asp; replaces glycine 281 with aspartic acid.
Molecular consequence: missense variant. On other transcripts: 5 prime UTR variant (3).
Genome position (GRCh38, 1-based): chr1:243,308,090, G>A. VCF-style: chr1-243308090-G-A. GRCh37 (hg19) VCF-style: chr1-243471392-G-A.
Other names: c.-62G>A (NM_001350246.2, NM_001350247.2, NM_001350251.2); c.938G>A, p.Gly313Asp (NM_001350248.2); c.548G>A, p.Gly183Asp (NM_001350249.2); short protein forms G281D, G183D, G313D.
Identifiers: ClinVar variation 955345 (VCV000955345.10), dbSNP rs765751496, ClinGen allele CA1483454.